The following is an entry in ClinVar:

NM_024757.5(EHMT1):c.3036-6T>G

Gene: EHMT1 (euchromatic histone lysine methyltransferase 1; plus strand). Cytogenetic location: 9q34.3.
Variant type: single nucleotide variant.
Coding change: c.3036-6T>G on transcript NM_024757.5 (MANE Select); 6 bases into the intron before coding-DNA position 3036, T replaced by G.
Molecular consequence: intron variant.
Genome position (GRCh38, 1-based): chr9:137,813,380, T>G. VCF-style: chr9-137813380-T-G. GRCh37 (hg19) VCF-style: chr9-140707832-T-G.
Other names: c.3015-6T>G (NM_001354263.2).
Identifiers: ClinVar variation 3391422 (VCV003391422.1).

ClinVar aggregate classification (germline): Uncertain significance (1 of 4 stars; one submission).

Conditions:
Kleefstra syndrome 1 (KLEFS1). Identifiers: Orphanet 261494, MedGen C0795833, MONDO:0027407, OMIM 610253.

Submission:

Clinical Genetics Center, Xinhua Hospital affiliated to Shanghai Jiao Tong University School of Medicine
Classification: Uncertain significance for Kleefstra syndrome 1. Last evaluated: 2024-11-01. Review status: criteria provided, single submitter. Criteria: ACMG Guidelines, 2015. Collection method: clinical testing. Allele origin: de novo. Affected: yes.
Comment: PM6+PM2_Supporting+PP3